The following is an entry in ClinVar:

NM_000532.5(PCCB):c.1132G>A (p.Val378Ile)

Gene: PCCB (propionyl-CoA carboxylase subunit beta; plus strand). Cytogenetic location: 3q22.3.
Variant type: single nucleotide variant.
Coding change: c.1132G>A on transcript NM_000532.5 (MANE Select); coding-DNA position 1132, G replaced by A.
Protein change: p.Val378Ile; replaces valine 378 with isoleucine.
Molecular consequence: missense variant.
Genome position (GRCh38, 1-based): chr3:136,326,844, G>A. VCF-style: chr3-136326844-G-A. GRCh37 (hg19) VCF-style: chr3-136045686-G-A.
Other names: c.1132G>A (NM_000532.4); c.1192G>A, p.Val398Ile (NM_001178014.2); short protein forms V378I, V398I.
Identifiers: ClinVar variation 1381619 (VCV001381619.4), dbSNP rs761529521, ClinGen allele CA2632026.

ClinVar aggregate classification (germline): Uncertain significance. Review status: criteria provided, multiple submitters, no conflicts (2 of 4 stars). 2 submissions from 2 submitters: Uncertain significance (2). Last evaluated 2023-08-19.

Conditions:
Propionic acidemia (PROP). Also called: GLYCINEMIA, KETOTIC; HYPERGLYCINEMIA WITH KETOACIDOSIS AND LEUKOPENIA; KETOTIC HYPERGLYCINEMIA. Identifiers: Orphanet 35, MedGen C0268579, MONDO:0011628, OMIM 606054, HP:0003571.
Inborn genetic diseases. Identifiers: MedGen C0950123, MeSH D030342.

Allele frequency attached by ClinVar (database versions not stated): ExAC 0.00001; gnomAD 0.00001 and 0.00002; gnomAD exomes 0.00001; TOPMed 0.00002.
gnomAD v4.1: 6 of 1,613,072 alleles (0.00037%); highest among the groups gnomAD compares: Admixed American, 0.0033%; no homozygotes.

Submissions (2):

Ambry Genetics
Classification: Uncertain significance for Inborn genetic diseases. Last evaluated: 2023-08-19. Review status: criteria provided, single submitter. Criteria: Ambry Variant Classification Scheme 2023. Collection method: clinical testing. Allele origin: germline.

Labcorp Genetics (formerly Invitae), Labcorp
Classification: Uncertain significance for Propionic acidemia. Last evaluated: 2022-07-06. Review status: criteria provided, single submitter. Criteria: Invitae Variant Classification Sherloc (09022015). Collection method: clinical testing. Allele origin: germline.
Comment: This sequence change replaces valine, which is neutral and non-polar, with isoleucine, which is neutral and non-polar, at codon 378 of the PCCB protein (p.Val378Ile). This variant is present in population databases (rs761529521, gnomAD 0.007%). This variant has not been reported in the literature in individuals affected with PCCB-related conditions. ClinVar contains an entry for this variant (Variation ID: 1381619). Algorithms developed to predict the effect of missense changes on protein structure and function (SIFT, PolyPhen-2, Align-GVGD) all suggest that this variant is likely to be disruptive. In summary, the available evidence is currently insufficient to determine the role of this variant in disease. Therefore, it has been classified as a Variant of Uncertain Significance.